The following is an entry in ClinVar:

ClinVar aggregate classification (germline): Likely benign (0 of 4 stars; one submission).

Conditions:
SEMA3A-related disorder. Also called: SEMA3A-related condition.

Allele frequency attached by ClinVar (database versions not stated): gnomAD exomes 0.00002; ExAC 0.00010; TOPMed 0.00013; gnomAD 0.00015; 1000 Genomes Project 30x 0.00031; ESP Exome Variant Server 0.00031; 1000 Genomes Project 0.00040.
gnomAD v4.1: 53 of 1,595,582 alleles (0.0033%); highest among the groups gnomAD compares: African/African-American, 0.041%; no homozygotes.

Submission:

PreventionGenetics, part of Exact Sciences
Classification: Likely benign for SEMA3A-related condition. Last evaluated: 2022-07-29. Review status: no assertion criteria provided. Collection method: clinical testing. Allele origin: germline.
Comment: This variant is classified as likely benign based on ACMG/AMP sequence variant interpretation guidelines (Richards et al. 2015 PMID: 25741868, with internal and published modifications).

NM_006080.3(SEMA3A):c.492C>T (p.Asn164=)

Gene: SEMA3A (semaphorin 3A; minus strand). Cytogenetic location: 7q21.11.
Variant type: single nucleotide variant.
Coding change: c.492C>T on transcript NM_006080.3 (MANE Select); coding-DNA position 492, C replaced by T.
Protein change: p.Asn164=; no amino-acid change (asparagine 164 retained).
Molecular consequence: synonymous variant.
Genome position (GRCh38, 1-based): chr7:84,060,520, G>A on the plus strand (C>T on the coding strand, the complement: SEMA3A is on the minus strand). VCF-style: chr7-84060520-G-A. GRCh37 (hg19) VCF-style: chr7-83689836-G-A.
Identifiers: ClinVar variation 3051902 (VCV003051902.2), dbSNP rs148134924, ClinGen allele CA4322989.